The following is an entry in ClinVar:

NM_004793.4(LONP1):c.775G>T (p.Ala259Ser)

Gene: LONP1 (lon peptidase 1, mitochondrial; minus strand). Cytogenetic location: 19p13.3.
Variant type: single nucleotide variant.
Coding change: c.775G>T on transcript NM_004793.4 (MANE Select); coding-DNA position 775, G replaced by T.
Protein change: p.Ala259Ser; replaces alanine 259 with serine.
Molecular consequence: missense variant. On other transcripts: non-coding transcript variant (1).
Genome position (GRCh38, 1-based): chr19:5,711,866, C>A on the plus strand (G>T on the coding strand, the complement: LONP1 is on the minus strand). VCF-style: chr19-5711866-C-A. GRCh37 (hg19) VCF-style: chr19-5711877-C-A.
Other names: c.583G>T, p.Ala195Ser (NM_001276479.2); c.187G>T, p.Ala63Ser (NM_001276480.1); short protein forms A63S, A259S, A195S.
Identifiers: ClinVar variation 3680936 (VCV003680936.2).

ClinVar aggregate classification (germline): Uncertain significance (1 of 4 stars; one submission).

gnomAD v4.1: 2 of 1,612,786 alleles (0.00012%); highest among the groups gnomAD compares: African/African-American, 0.0027%; no homozygotes.

Submission:

Labcorp Genetics (formerly Invitae), Labcorp
Classification: Uncertain significance. Last evaluated: 2024-04-30. Review status: criteria provided, single submitter. Criteria: Invitae Variant Classification Sherloc (09022015). Collection method: clinical testing. Allele origin: germline.
Comment: This sequence change replaces alanine, which is neutral and non-polar, with serine, which is neutral and polar, at codon 259 of the LONP1 protein (p.Ala259Ser). This variant is not present in population databases (gnomAD no frequency). This variant has not been reported in the literature in individuals affected with LONP1-related conditions. An algorithm developed to predict the effect of missense changes on protein structure and function (PolyPhen-2) suggests that this variant is likely to be tolerated. In summary, the available evidence is currently insufficient to determine the role of this variant in disease. Therefore, it has been classified as a Variant of Uncertain Significance.